The following is an entry in ClinVar:

ClinVar aggregate classification (germline): Benign (0 of 4 stars; one submission).

Conditions:
PNPLA5-related disorder. Also called: PNPLA5-related condition.

Allele frequency attached by ClinVar (database versions not stated): 1000 Genomes Project 30x 0.00484; 1000 Genomes Project 0.00519; TOPMed 0.00645; ESP Exome Variant Server 0.00723.

Submission:

PreventionGenetics, part of Exact Sciences
Classification: Benign for PNPLA5-related condition. Last evaluated: 2019-04-12. Review status: no assertion criteria provided. Collection method: clinical testing. Allele origin: germline.
Comment: This variant is classified as benign based on ACMG/AMP sequence variant interpretation guidelines (Richards et al. 2015 PMID: 25741868, with internal and published modifications).

NM_138814.4(PNPLA5):c.639C>T (p.Ser213=)

Gene: PNPLA5 (patatin like domain 5, triacylglycerol lipase; minus strand). Cytogenetic location: 22q13.31.
Variant type: single nucleotide variant.
Coding change: c.639C>T on transcript NM_138814.4 (MANE Select); coding-DNA position 639, C replaced by T.
Protein change: p.Ser213=; no amino-acid change (serine 213 retained).
Molecular consequence: synonymous variant.
Genome position (GRCh38, 1-based): chr22:43,889,392, G>A on the plus strand (C>T on the coding strand, the complement: PNPLA5 is on the minus strand). VCF-style: chr22-43889392-G-A. GRCh37 (hg19) VCF-style: chr22-44285272-G-A.
Other names: c.297C>T, p.Ser99= (NM_001177675.2); c.219C>T, p.Ser73= (NM_001371410.1).
Identifiers: ClinVar variation 3037987 (VCV003037987.2), dbSNP rs115235040, ClinGen allele CA10277542.
Genomic context (GRCh38, chr22:43,889,392, plus strand): 5'-GAGGCTGGGGGGTATGAGACATATGAGCCCCAGGAAGAAGTTCTCAGTGGAGATTTGGAA[G>A]CTGAAGTTGAAGACGTTCAGCTCATGCAGGTTGGGGGAGGTGCTCTGGGGGCAGATGTCC-3'
Protein context (NP_620169.1, residues 203-223): NLHELNVFNF[Ser213=]FQISTENFFL